The following is an entry in ClinVar:

ClinVar aggregate classification (germline): Uncertain significance. Review status: criteria provided, multiple submitters, no conflicts (2 of 4 stars). 3 submissions from 3 submitters: Uncertain significance (3). Last evaluated 2026-08-17.

Conditions:
Hereditary cancer-predisposing syndrome. Also called: Neoplastic Syndromes, Hereditary; Hereditary neoplastic syndrome; Hereditary Cancer Syndrome; Tumor predisposition. Identifiers: Orphanet 140162, MedGen C0027672, MeSH D009386, MONDO:0015356.
Juvenile polyposis syndrome (JPS). Identifiers: Orphanet 2929, MedGen C0345893, MONDO:0017380, OMIM 174900.
Polyposis syndrome, hereditary mixed, 2. Identifiers: Orphanet 157794, MedGen C1864730, MONDO:0012405, OMIM 610069.

Allele frequency attached by ClinVar (database versions not stated): gnomAD exomes below 0.00001.

Submissions (3):

Ambry Genetics
Classification: Uncertain significance for Hereditary cancer-predisposing syndrome. Last evaluated: 2026-08-17. Review status: criteria provided, single submitter. Criteria: Ambry Variant Classification Scheme 2023. Collection method: clinical testing. Allele origin: germline.
Comment: The p.I122T variant (also known as c.365T>C), located in coding exon 4 of the BMPR1A gene, results from a T to C substitution at nucleotide position 365. The isoleucine at codon 122 is replaced by threonine, an amino acid with similar properties. This amino acid position is highly conserved in available vertebrate species. In addition, this alteration is predicted to be deleterious by in silico analysis. Based on the available evidence, the clinical significance of this variant remains unclear.

Labcorp Genetics (formerly Invitae), Labcorp
Classification: Uncertain significance for Juvenile polyposis syndrome. Last evaluated: 2025-11-10. Review status: criteria provided, single submitter. Criteria: Invitae Variant Classification Sherloc (09022015). Collection method: clinical testing. Allele origin: germline.
Comment: This sequence change replaces isoleucine, which is neutral and non-polar, with threonine, which is neutral and polar, at codon 122 of the BMPR1A protein (p.Ile122Thr). This variant is not present in population databases (gnomAD no frequency). This variant has not been reported in the literature in individuals affected with BMPR1A-related conditions. ClinVar contains an entry for this variant (Variation ID: 460498). Invitae Evidence Modeling of protein sequence and biophysical properties (such as structural, functional, and spatial information, amino acid conservation, physicochemical variation, residue mobility, and thermodynamic stability) has been performed for this missense variant. However, the output from this modeling did not meet the statistical confidence thresholds required to predict the impact of this variant on BMPR1A protein function. In summary, the available evidence is currently insufficient to determine the role of this variant in disease. Therefore, it has been classified as a Variant of Uncertain Significance.

Baylor Genetics
Classification: Uncertain significance for Polyposis syndrome, hereditary mixed, 2. Last evaluated: 2024-02-07. Review status: criteria provided, single submitter. Criteria: ACMG Guidelines, 2015. Collection method: clinical testing. Allele origin: unknown.

NM_004329.3(BMPR1A):c.365T>C (p.Ile122Thr)

Gene: BMPR1A (bone morphogenetic protein receptor type 1A; plus strand). Cytogenetic location: 10q23.2.
Variant type: single nucleotide variant.
Coding change: c.365T>C on transcript NM_004329.3 (MANE Select); coding-DNA position 365, T replaced by C.
Protein change: p.Ile122Thr; replaces isoleucine 122 with threonine.
Molecular consequence: missense variant.
Genome position (GRCh38, 1-based): chr10:86,899,825, T>C. VCF-style: chr10-86899825-T-C. GRCh37 (hg19) VCF-style: chr10-88659582-T-C.
Other names: short protein forms I122T.
Identifiers: ClinVar variation 460498 (VCV000460498.15), dbSNP rs1554888971, ClinGen allele CA377449402.